The following is an entry in ClinVar:

ClinVar aggregate classification (germline): Uncertain significance. Review status: criteria provided, multiple submitters, no conflicts (2 of 4 stars). 5 submissions from 5 submitters: Uncertain significance (4). 1 of the submissions does not count toward it. Last evaluated 2024-11-21.

Conditions:
Optic atrophy. Identifiers: MedGen C0029124, MONDO:0003608, HP:0000648.
Retinitis pigmentosa (RP). Identifiers: Orphanet 791, MedGen C0035334, MeSH D012174, MONDO:0019200, OMIM 268000. Inheritance: Autosomal dominant, autosomal recessive and X linked inheritance.
Inborn genetic diseases. Identifiers: MedGen C0950123, MeSH D030342.

Allele frequency attached by ClinVar (database versions not stated): TOPMed 0.00006; ESP Exome Variant Server 0.00008; 1000 Genomes Project 0.00020; 1000 Genomes Project 30x 0.00031.
gnomAD v4.1: 98 of 1,613,782 alleles (0.0061%); highest among the groups gnomAD compares: Middle Eastern, 0.099%; no homozygotes.

Submissions (5):

Blueprint Genetics
Classification: Uncertain significance. Last evaluated: 2024-11-21. Review status: criteria provided, single submitter. Criteria: ACMG Guidelines, 2015. Collection method: clinical testing. Allele origin: germline.

Labcorp Genetics (formerly Invitae), Labcorp
Classification: Uncertain significance. Last evaluated: 2024-11-05. Review status: criteria provided, single submitter. Criteria: Invitae Variant Classification Sherloc (09022015). Collection method: clinical testing. Allele origin: germline.
Comment: This sequence change replaces alanine, which is neutral and non-polar, with proline, which is neutral and non-polar, at codon 844 of the PCARE protein (p.Ala844Pro). This variant is present in population databases (rs370203821, gnomAD 0.03%). This variant has not been reported in the literature in individuals affected with PCARE-related conditions. ClinVar contains an entry for this variant (Variation ID: 335648). An algorithm developed to predict the effect of missense changes on protein structure and function (PolyPhen-2) suggests that this variant is likely to be disruptive. In summary, the available evidence is currently insufficient to determine the role of this variant in disease. Therefore, it has been classified as a Variant of Uncertain Significance.

Ambry Genetics
Classification: Uncertain significance for Inborn genetic diseases. Last evaluated: 2021-09-28. Review status: criteria provided, single submitter. Criteria: Ambry Variant Classification Scheme 2023. Collection method: clinical testing. Allele origin: germline.

Illumina Laboratory Services, Illumina
Classification: Uncertain significance for Retinitis pigmentosa. Last evaluated: 2018-01-13. Review status: criteria provided, single submitter. Criteria: ICSL Variant Classification Criteria 13 December 2019. Collection method: clinical testing. Allele origin: germline.

Institute of Human Genetics, Univ. Regensburg, Univ. Regensburg
Classification: Uncertain significance for Optic atrophy. Last evaluated: 2022-01-01. Review status: no assertion criteria provided. Criteria: ACMG Guidelines, 2015. Collection method: clinical testing. Allele origin: germline. Affected: yes. Not counted in ClinVar's aggregate classification.

NM_001029883.3(PCARE):c.2530G>C (p.Ala844Pro)

Gene: PCARE (photoreceptor cilium actin regulator; minus strand). Cytogenetic location: 2p23.2.
Variant type: single nucleotide variant.
Coding change: c.2530G>C on transcript NM_001029883.3 (MANE Select); coding-DNA position 2530, G replaced by C.
Protein change: p.Ala844Pro; replaces alanine 844 with proline.
Molecular consequence: missense variant.
Genome position (GRCh38, 1-based): chr2:29,071,732, C>G on the plus strand (G>C on the coding strand, the complement: PCARE is on the minus strand). VCF-style: chr2-29071732-C-G. GRCh37 (hg19) VCF-style: chr2-29294598-C-G.
Other names: c.2530G>C (NM_001029883.1); short protein forms A844P.
Identifiers: ClinVar variation 335648 (VCV000335648.13), dbSNP rs370203821, ClinGen allele CA1592180.